The following is an entry in ClinVar:

ClinVar aggregate classification (germline): Benign. Review status: criteria provided, multiple submitters, no conflicts (2 of 4 stars). 6 submissions from 6 submitters: Benign (6). Last evaluated 2026-01-25.

Conditions:
Hereditary spastic paraplegia. Also called: Familial spastic paraparesis. Identifiers: Orphanet 685, MedGen C0037773, MONDO:0019064. Disease mechanism: loss of function.
Hereditary spastic paraplegia 48. Also called: SPASTIC PARAPLEGIA 48, AUTOSOMAL RECESSIVE; Spastic paraplegia 48. Identifiers: Orphanet 306511, MedGen C3150901, MONDO:0013342, OMIM 613647.

Allele frequency attached by ClinVar (database versions not stated): gnomAD exomes 0.00532; ExAC 0.01443; ESP Exome Variant Server 0.01983; 1000 Genomes Project 0.02097; gnomAD 0.02284; 1000 Genomes Project 30x 0.02295; TOPMed 0.02450.
gnomAD v4.1: 7,090 of 1,588,518 alleles (0.45%); highest among the groups gnomAD compares: African/African-American, 7.9%; 244 homozygotes.

Submissions (6):

Labcorp Genetics (formerly Invitae), Labcorp
Classification: Benign for Hereditary spastic paraplegia 48. Last evaluated: 2026-01-25. Review status: criteria provided, single submitter. Criteria: Invitae Variant Classification Sherloc (09022015). Collection method: clinical testing. Allele origin: germline.

Athena Diagnostics
Classification: Benign. Last evaluated: 2024-03-18. Review status: criteria provided, single submitter. Criteria: Athena Diagnostics Criteria. Collection method: clinical testing. Allele origin: unknown.

Genome Diagnostics Laboratory, The Hospital for Sick Children
Classification: Benign for Hereditary spastic paraplegia. Last evaluated: 2021-02-12. Review status: criteria provided, single submitter. Criteria: ACMG Guidelines, 2015. Collection method: clinical testing. Allele origin: germline. Affected: yes.

Mayo Clinic Laboratories, Mayo Clinic
Classification: Benign. Last evaluated: 2019-11-18. Review status: criteria provided, single submitter. Criteria: ACMG Guidelines, 2015. Collection method: clinical testing. Allele origin: germline. Observed: 18 variant alleles.

GeneDx
Classification: Benign. Last evaluated: 2018-10-09. Review status: criteria provided, single submitter. Criteria: GeneDx Variant Classification Process June 2021. Collection method: clinical testing. Allele origin: germline. Affected: yes.

Illumina Laboratory Services, Illumina
Classification: Benign for Hereditary spastic paraplegia 48. Last evaluated: 2018-01-13. Review status: criteria provided, single submitter. Criteria: ICSL Variant Classification Criteria 13 December 2019. Collection method: clinical testing. Allele origin: germline.
Comment: This variant was observed in the ICSL laboratory as part of a predisposition screen in an ostensibly healthy population. It had not been previously curated by ICSL or reported in the Human Gene Mutation Database (HGMD: prior to June 1st, 2018), and was therefore a candidate for classification through an automated scoring system. Utilizing variant allele frequency, disease prevalence and penetrance estimates, and inheritance mode, an automated score was calculated to assess if this variant is too frequent to cause the disease. Based on the score and internal cut-off values, a variant classified as benign is not then subjected to further curation. The score for this variant resulted in a classification of benign for this disease.

NM_014855.3(AP5Z1):c.1554C>T (p.Phe518=)

Gene: AP5Z1 (adaptor related protein complex 5 subunit zeta 1; plus strand). Cytogenetic location: 7p22.1.
Variant type: single nucleotide variant.
Coding change: c.1554C>T on transcript NM_014855.3 (MANE Select); coding-DNA position 1554, C replaced by T.
Protein change: p.Phe518=; no amino-acid change (phenylalanine 518 retained).
Molecular consequence: synonymous variant. On other transcripts: non-coding transcript variant (1).
Genome position (GRCh38, 1-based): chr7:4,788,253, C>T. VCF-style: chr7-4788253-C-T. GRCh37 (hg19) VCF-style: chr7-4827884-C-T.
Other names: p.Phe518=; c.1554C>T, p.Phe518= (LRG_1247t1); c.1086C>T, p.Phe362= (NM_001364858.1).
Identifiers: ClinVar variation 240936 (VCV000240936.21), dbSNP rs77560694, ClinGen allele CA4137866.
Genomic context (GRCh38, chr7:4,788,253, plus strand): 5'-CTCTCTCAGGGCCCCCAGCTGCCTGGAGGCCTTCCGGGACCCGCAGTTCCAGGGTCTTTT[C>T]CAATACCTGCTGCGCCCCAAGGCCAGTGGCGCCACTGAGAGGTACGGGGCCCTAGGGCCA-3'
Protein context (NP_055670.1, residues 508-528): AFRDPQFQGL[Phe518=]QYLLRPKASG